The following is an entry in ClinVar:

ClinVar aggregate classification (germline): Benign (1 of 4 stars; one submission).

Allele frequency attached by ClinVar (database versions not stated): gnomAD 0.01816 and 0.01940; 1000 Genomes Project 0.01857; TOPMed 0.01991; 1000 Genomes Project 30x 0.02061.
gnomAD v4.1: 2,742 of 152,336 alleles (1.8%); highest among the groups gnomAD compares: African/African-American, 6.3%; 82 homozygotes.

Submission:

GeneDx
Classification: Benign. Last evaluated: 2018-06-14. Review status: criteria provided, single submitter. Criteria: GeneDx Variant Classification (06012015). Collection method: clinical testing. Allele origin: germline. Affected: yes.
Comment: This variant is considered likely benign or benign based on one or more of the following criteria: it is a conservative change, it occurs at a poorly conserved position in the protein, it is predicted to be benign by multiple in silico algorithms, and/or has population frequency not consistent with disease.

NM_000093.5(COL5A1):c.2088+227G>A

Gene: COL5A1 (collagen type V alpha 1 chain; plus strand). Cytogenetic location: 9q34.3.
Variant type: single nucleotide variant.
Coding change: c.2088+227G>A on transcript NM_000093.5 (MANE Select); 227 bases into the intron after coding-DNA position 2088, G replaced by A.
Molecular consequence: intron variant.
Genome position (GRCh38, 1-based): chr9:134,765,961, G>A. VCF-style: chr9-134765961-G-A. GRCh37 (hg19) VCF-style: chr9-137657807-G-A.
Other names: c.2088+227G>A (NM_001278074.1).
Identifiers: ClinVar variation 679061 (VCV000679061.1), dbSNP rs12351175, ClinGen allele CA13064077.